The following is an entry in ClinVar:

ClinVar aggregate classification (germline): Likely benign. Review status: criteria provided, multiple submitters, no conflicts (2 of 4 stars). 2 submissions from 2 submitters: Likely benign (2). Last evaluated 2024-08-01.

Allele frequency attached by ClinVar (database versions not stated): gnomAD 0.00022 and 0.00025; TOPMed 0.00027; ExAC 0.00028; gnomAD exomes 0.00029 and 0.00030.
gnomAD v4.1: 203 of 716,764 alleles (0.028%); highest among the groups gnomAD compares: Non-Finnish European, 0.043%; no homozygotes.

Submissions (2):

CeGaT Center for Human Genetics Tuebingen
Classification: Likely benign. Last evaluated: 2024-08-01. Review status: criteria provided, single submitter. Criteria: CeGaT Center For Human Genetics Tuebingen Variant Classification Criteria Version 2. Collection method: clinical testing. Allele origin: germline. Affected: yes. Observed: 1 variant allele.
Comment: SHANK2: BP4, BP7

GeneDx
Classification: Likely benign. Last evaluated: 2016-01-26. Review status: criteria provided, single submitter. Criteria: GeneDx Variant Classification (06012015). Collection method: clinical testing. Allele origin: germline. Affected: yes.
Comment: This variant is considered likely benign or benign based on one or more of the following criteria: it is a conservative change, it occurs at a poorly conserved position in the protein, it is predicted to be benign by multiple in silico algorithms, and/or has population frequency not consistent with disease.

NM_012309.5(SHANK2):c.1371C>T (p.Pro457=)

Gene: SHANK2 (SH3 and multiple ankyrin repeat domains 2; minus strand). Cytogenetic location: 11q13.4.
Variant type: single nucleotide variant.
Coding change: c.1371C>T on transcript NM_012309.5 (MANE Select); coding-DNA position 1371, C replaced by T.
Protein change: p.Pro457=; no amino-acid change (proline 457 retained).
Molecular consequence: synonymous variant.
Genome position (GRCh38, 1-based): chr11:70,820,486, G>A on the plus strand (C>T on the coding strand, the complement: SHANK2 is on the minus strand). VCF-style: chr11-70820486-G-A. GRCh37 (hg19) VCF-style: chr11-70666591-G-A.
Other names: c.234C>T, p.Pro78= (NM_001379226.1).
Identifiers: ClinVar variation 677089 (VCV000677089.17), dbSNP rs782397098, ClinGen allele CA6161840.